The following is an entry in ClinVar:

ClinVar aggregate classification (germline): Uncertain significance (1 of 4 stars; one submission).

Conditions:
Inborn genetic diseases. Identifiers: MedGen C0950123, MeSH D030342.

Submission:

Ambry Genetics
Classification: Uncertain significance for Inborn genetic diseases. Last evaluated: 2025-10-12. Review status: criteria provided, single submitter. Criteria: Ambry Variant Classification Scheme 2023. Collection method: clinical testing. Allele origin: germline.
Comment: The p.S705T variant (also known as c.2114G>C), located in coding exon 23 of the FANCA gene, results from a G to C substitution at nucleotide position 2114. The serine at codon 705 is replaced by threonine, an amino acid with similar properties. This amino acid position is conserved. In addition, this alteration is predicted to be tolerated by in silico analysis. Based on the available evidence, the clinical significance of this variant remains unclear.

NM_000135.4(FANCA):c.2114G>C (p.Ser705Thr)

Gene: FANCA (FA complementation group A; minus strand). Cytogenetic location: 16q24.3.
Variant type: single nucleotide variant.
Coding change: c.2114G>C on transcript NM_000135.4 (MANE Select); coding-DNA position 2114, G replaced by C.
Protein change: p.Ser705Thr; replaces serine 705 with threonine.
Molecular consequence: missense variant.
Genome position (GRCh38, 1-based): chr16:89,771,715, C>G on the plus strand (G>C on the coding strand, the complement: FANCA is on the minus strand). VCF-style: chr16-89771715-C-G. GRCh37 (hg19) VCF-style: chr16-89838123-C-G.
Other names: c.2114G>C, p.Ser705Thr (NM_001286167.3); short protein forms S705T.
Identifiers: ClinVar variation 4619197 (VCV004619197.1).